The following is an entry in ClinVar:

NM_006030.4(CACNA2D2):c.2972-12G>A

Genes: CACNA2D2 (calcium voltage-gated channel auxiliary subunit alpha2delta 2; minus strand), LOC101928965 (uncharacterized LOC101928965; plus strand), LOC127898564 (CYB561D2-LOC101928965; plus strand). Cytogenetic location: 3p21.31.
Variant type: single nucleotide variant.
Coding change: c.2972-12G>A on transcript NM_006030.4 (MANE Select); 12 bases into the intron before coding-DNA position 2972, G replaced by A.
Molecular consequence: intron variant. On other transcripts: non-coding transcript variant (2).
Genome position (GRCh38, 1-based): chr3:50,365,494, C>T on the plus strand (G>A on the coding strand, the complement: CACNA2D2 is on the minus strand). VCF-style: chr3-50365494-C-T. GRCh37 (hg19) VCF-style: chr3-50402925-C-T.
Other names: c.2765-12G>A (NM_001291101.1); c.2972-12G>A (NM_001005505.3); c.2993-12G>A (NM_001174051.3).
Identifiers: ClinVar variation 1703129 (VCV001703129.3), dbSNP rs1177409904, ClinGen allele CA433868059.

ClinVar aggregate classification (germline): Uncertain significance (1 of 4 stars; one submission).

Allele frequency attached by ClinVar (database versions not stated): gnomAD exomes below 0.00001.
gnomAD v4.1: 1 of 1,612,500 alleles (0.000062%); highest among the groups gnomAD compares: Admixed American, 0.0017%; no homozygotes.

Submission:

Greenwood Genetic Center Diagnostic Laboratories, Greenwood Genetic Center
Classification: Uncertain significance. Last evaluated: 2022-06-27. Review status: criteria provided, single submitter. Criteria: ACMG Guidelines, 2015. Collection method: clinical testing. Allele origin: germline. Affected: yes.
Comment: PM2